The following is an entry in ClinVar:

ClinVar aggregate classification (germline): Uncertain significance (1 of 4 stars; one submission).

Conditions:
Familial hemophagocytic lymphohistiocytosis 5. Also called: STXBP2-Related Familial Hemophagocytic Lymphohistiocytosis (STXBP2-fHLH). Identifiers: Orphanet 540, MedGen C2751293, MONDO:0013135, OMIM 613101.

Submission:

Labcorp Genetics (formerly Invitae), Labcorp
Classification: Uncertain significance for Familial hemophagocytic lymphohistiocytosis 5. Last evaluated: 2022-02-12. Review status: criteria provided, single submitter. Criteria: Invitae Variant Classification Sherloc (09022015). Collection method: clinical testing. Allele origin: germline.
Comment: This sequence change affects codon 415 of the STXBP2 mRNA. It is a 'silent' change, meaning that it does not change the encoded amino acid sequence of the STXBP2 protein. It affects a nucleotide within the consensus splice site. This variant is not present in population databases (gnomAD no frequency). This variant has not been reported in the literature in individuals affected with STXBP2-related conditions. In summary, the available evidence is currently insufficient to determine the role of this variant in disease. Therefore, it has been classified as a Variant of Uncertain Significance. Algorithms developed to predict the effect of sequence changes on RNA splicing suggest that this variant is not likely to affect RNA splicing.

NM_006949.4(STXBP2):c.1245T>C (p.Asn415=)

Gene: STXBP2 (syntaxin binding protein 2; plus strand). Cytogenetic location: 19p13.2.
Variant type: single nucleotide variant.
Coding change: c.1245T>C on transcript NM_006949.4 (MANE Select); coding-DNA position 1245, T replaced by C.
Protein change: p.Asn415=; no amino-acid change (asparagine 415 retained).
Molecular consequence: synonymous variant. On other transcripts: non-coding transcript variant (1).
Genome position (GRCh38, 1-based): chr19:7,644,751, T>C. VCF-style: chr19-7644751-T-C. GRCh37 (hg19) VCF-style: chr19-7709637-T-C.
Other names: c.1236T>C, p.Asn412= (NM_001127396.3); c.1278T>C, p.Asn426= (NM_001272034.2); c.1149T>C, p.Asn383= (NM_001414484.1).
Identifiers: ClinVar variation 2097194 (VCV002097194.4), dbSNP rs2512706364, ClinGen allele CA505238123.
Genomic context (GRCh38, chr19:7,644,751, plus strand): 5'-CGCGGCGGTGCCCGCCTACGACAAGATCCGGGTCCTGCTGCTCTACATCCTCCTTCGGAA[T>C]GGTGGGTGGGGGCTGCAGGGAGTTGGAACGTCCCCATTTGCCAGCGTCTCCCACGATCCT-3'
Protein context (NP_008880.2, residues 405-425): RVLLLYILLR[Asn415=]GVSEENLAKL